The following is an entry in ClinVar:

NM_005245.4(FAT1):c.3097G>A (p.Val1033Met)

Gene: FAT1 (FAT atypical cadherin 1; minus strand). Cytogenetic location: 4q35.2.
Variant type: single nucleotide variant.
Coding change: c.3097G>A on transcript NM_005245.4 (MANE Select); coding-DNA position 3097, G replaced by A.
Protein change: p.Val1033Met; replaces valine 1033 with methionine.
Molecular consequence: missense variant.
Genome position (GRCh38, 1-based): chr4:186,706,731, C>T on the plus strand (G>A on the coding strand, the complement: FAT1 is on the minus strand). VCF-style: chr4-186706731-C-T. GRCh37 (hg19) VCF-style: chr4-187627885-C-T.
Other names: short protein forms V1033M.
Identifiers: ClinVar variation 1049691 (VCV001049691.1), dbSNP rs752785176, ClinGen allele CA3167114.
Genomic context (GRCh38, chr4:186,706,731, plus strand): 5'-CCAATGAACCAACAGGTGCATCTTCTTTCACTGTCCCCTTTTCCACAAAGCTGGAAAACA[C>T]GGGTGGGTGCAGGTTCTCATTCACATCAACCACCTCAACTTCAACATAGCAAGTAGAAGA-3'
Protein context (NP_005236.2, residues 1023-1043): VDVNENLHPP[Val1033Met]FSSFVEKGTV

ClinVar aggregate classification (germline): Uncertain significance (0 of 4 stars; one submission).

Allele frequency attached by ClinVar (database versions not stated): ExAC 0.00001; gnomAD 0.00001; TOPMed 0.00001.
gnomAD v4.1: 11 of 1,613,832 alleles (0.00068%); highest among the groups gnomAD compares: Admixed American, 0.0033%; no homozygotes.

Submission:

Department of Pathology and Laboratory Medicine, Sinai Health System
Classification: Uncertain significance. Review status: no assertion criteria provided. Collection method: clinical testing. Allele origin: unknown. Affected: yes. Study: The Canadian Open Genetics Repository (COGR).
Comment: The FAT1 p.Val1033Met variant was not identified in the literature nor was it identified in ClinVar or LOVD 3.0. The variant was identified in dbSNP (ID: rs752785176) and in Cosmic where the variant was confirmed somatically in the large intestine (carcinoma). The variant was identified in control databases in 4 of 280614 chromosomes at a frequency of 0.000014 (Genome Aggregation Database Feb 27, 2017). The variant was observed in the following populations: Ashkenazi Jewish in 2 of 10352 chromosomes (freq: 0.000193), East Asian in 1 of 19534 chromosomes (freq: 0.000051) and Latino in 1 of 35372 chromosomes (freq: 0.000028); it was not observed in the African, European (Finnish), European (non-Finnish), Other and South Asian populations. The variant occurs outside of the splicing consensus sequence and in silico or computational prediction software programs (SpliceSiteFinder, MaxEntScan, NNSPLICE, and GeneSplicer) do not predict a difference in splicing. The p.Val1033 residue is not conserved in mammals and computational analyses (PolyPhen-2, SIFT, AlignGVGD, BLOSUM, and MutationTaster) do not suggest a high likelihood of impact to the protein; however, this information is not predictive enough to rule out pathogenicity. In summary, based on the above information the clinical significance of this variant cannot be determined with certainty at this time. This variant is classified as a variant of uncertain significance.